The following is an entry in ClinVar:

ClinVar aggregate classification (germline): Pathogenic. Review status: criteria provided, multiple submitters, no conflicts (2 of 4 stars). 2 submissions from 2 submitters: Pathogenic (2). Last evaluated 2025-12-17.

Conditions:
Multiple congenital exostosis (EXT). Also called: Hereditary multiple osteochondromas; Multiple osteochondromas; Hereditary multiple exostoses; Hereditary multiple exostosis; MULTIPLE CARTILAGINOUS EXOSTOSES; Multiple exostoses. Identifiers: Orphanet 321, MedGen C0015306, MONDO:0005508, HP:0002762.

Submissions (2):

Labcorp Genetics (formerly Invitae), Labcorp
Classification: Pathogenic for Multiple congenital exostosis. Last evaluated: 2025-12-17. Review status: criteria provided, single submitter. Criteria: Invitae Variant Classification Sherloc (09022015). Collection method: clinical testing. Allele origin: germline.
Comment: This sequence change creates a premature translational stop signal (p.Arg405Serfs*19) in the EXT1 gene. It is expected to result in an absent or disrupted protein product. Loss-of-function variants in EXT1 are known to be pathogenic (PMID: 10679937, 11391482, 19810120). This variant is not present in population databases (gnomAD no frequency). This premature translational stop signal has been observed in individual(s) with multiple exostoses (PMID: 9521425, 18976157). Invitae Evidence Modeling of clinical and family history, age, sex, and reported ancestry of multiple individuals with this EXT1 variant has been performed. This variant is expected to be pathogenic with a positive predictive value of at least 99%. This is a validated machine learning model that incorporates the clinical features of 66,185 individuals referred to our laboratory for EXT1 testing. This variant is also known as 1866del4. ClinVar contains an entry for this variant (Variation ID: 817594). Algorithms developed to predict the effect of sequence changes on RNA splicing suggest that this variant may disrupt the consensus splice site. For these reasons, this variant has been classified as Pathogenic.

GeneDx
Classification: Pathogenic. Last evaluated: 2024-07-01. Review status: criteria provided, single submitter. Criteria: GeneDx Variant Classification Process June 2021. Collection method: clinical testing. Allele origin: germline. Affected: yes.
Comment: Frameshift variant predicted to result in protein truncation or nonsense mediated decay in a gene for which loss of function is a known mechanism of disease; Not observed at significant frequency in large population cohorts (gnomAD); This variant is associated with the following publications: (PMID: 18976157, 9521425)

Literature cited by the submitters: PubMed 10679937 (cited by Labcorp Genetics (formerly Invitae), Labcorp); PubMed 11391482 (cited by Labcorp Genetics (formerly Invitae), Labcorp); PubMed 19810120 (cited by Labcorp Genetics (formerly Invitae), Labcorp); PubMed 9521425 (cited by Labcorp Genetics (formerly Invitae), Labcorp); PubMed 18976157 (cited by Labcorp Genetics (formerly Invitae), Labcorp).

NM_000127.3(EXT1):c.1215_1218del (p.Arg405fs)

Gene: EXT1 (exostosin glycosyltransferase 1; minus strand). Cytogenetic location: 8q24.11.
Variant type: Deletion.
Coding change: c.1215_1218del on transcript NM_000127.3 (MANE Select); coding-DNA positions 1215 to 1218, 4 bases deleted (ACAG; older notation c.1215_1218delACAG).
Protein change: p.Arg405fs; shifts the reading frame from arginine 405.
Molecular consequence: frameshift variant.
Genome position (GRCh38, 1-based): chr8:117,830,296-117,830,299, CTGT deleted on the plus strand (ACAG on the coding strand, the reverse complement: EXT1 is on the minus strand); deleting any 4 consecutive bases within chr8:117,830,296-117,830,301 gives the same sequence; the c. name uses the placement nearest the transcript's 3' end. VCF-style (leftmost placement, unchanged base first): chr8-117830295-GCTGT-G. GRCh37 (hg19) VCF-style: chr8-118842534-GCTGT-G.
Other names: c.1215_1218del (NM_000127.2); c.1215_1218delACAG (NM_000127.2); short protein forms R405fs.
Identifiers: ClinVar variation 817594 (VCV000817594.11), dbSNP rs1369118661, ClinGen allele CA846213773.
Genomic context (GRCh38, chr8:117,830,295, plus strand): 5'-GTGTAGTTAATACAATCTTCTCAACTGAAGAAAAATAAGCCTCCCACAAGAATTGTGTCT[GCTGT>G]CTAAGTGCTAGGATTTTATCCTGATGAATAGACCTGATTGTAGAAGGAATCTGTAACACA-3'